The following is an entry in ClinVar:

NM_001261826.3(AP3D1):c.862A>G (p.Ile288Val)

Gene: AP3D1 (adaptor related protein complex 3 subunit delta 1; minus strand). Cytogenetic location: 19p13.3.
Variant type: single nucleotide variant.
Coding change: c.862A>G on transcript NM_001261826.3 (MANE Select); coding-DNA position 862, A replaced by G.
Protein change: p.Ile288Val; replaces isoleucine 288 with valine.
Molecular consequence: missense variant.
Genome position (GRCh38, 1-based): chr19:2,123,874, T>C on the plus strand (A>G on the coding strand, the complement: AP3D1 is on the minus strand). VCF-style: chr19-2123874-T-C. GRCh37 (hg19) VCF-style: chr19-2123873-T-C.
Other names: c.862A>G, p.Ile288Val (NM_001374799.1, NM_003938.8); short protein forms I288V.
Identifiers: ClinVar variation 1347505 (VCV001347505.8), dbSNP rs1392985479, ClinGen allele CA403225623.

ClinVar aggregate classification (germline): Uncertain significance (1 of 4 stars; one submission).

Allele frequency attached by ClinVar (database versions not stated): gnomAD exomes below 0.00001 and 0.00001; gnomAD 0.00001; TOPMed 0.00001.
gnomAD v4.1: 4 of 1,577,110 alleles (0.00025%); highest among the groups gnomAD compares: Non-Finnish European, 0.00026%; no homozygotes.

Submission:

Labcorp Genetics (formerly Invitae), Labcorp
Classification: Uncertain significance. Last evaluated: 2025-07-27. Review status: criteria provided, single submitter. Criteria: Invitae Variant Classification Sherloc (09022015). Collection method: clinical testing. Allele origin: germline.
Comment: This sequence change replaces isoleucine, which is neutral and non-polar, with valine, which is neutral and non-polar, at codon 288 of the AP3D1 protein (p.Ile288Val). The frequency data for this variant in the population databases is considered unreliable, as metrics indicate poor data quality at this position in the gnomAD database. This variant has not been reported in the literature in individuals affected with AP3D1-related conditions. ClinVar contains an entry for this variant (Variation ID: 1347505). An algorithm developed to predict the effect of missense changes on protein structure and function (PolyPhen-2) suggests that this variant is likely to be tolerated. In summary, the available evidence is currently insufficient to determine the role of this variant in disease. Therefore, it has been classified as a Variant of Uncertain Significance.